The following is an entry in ClinVar:

ClinVar aggregate classification (germline): Benign. Review status: criteria provided, single submitter (1 of 4 stars). 2 submissions from 1 submitter: Benign (1). 1 of the submissions does not count toward it. Last evaluated 2015-03-03.

Submissions (2):

GeneDx
Classification: Benign. Last evaluated: 2015-03-03. Review status: criteria provided, single submitter. Criteria: GeneDx Variant Classification Process June 2021. Collection method: clinical testing. Allele origin: germline. Affected: yes.

GeneDx
Classification: Benign. Last evaluated: 2014-02-03. Review status: flagged submission. Criteria: GeneDx Variant Classification (06012015). Collection method: clinical testing. Allele origin: germline. Affected: yes. Not counted in ClinVar's aggregate classification.
Comment: The variant is found in INFANT-EPI panel(s).
ClinVar note: Reason: This record appears to be redundant with a more recent record from the same submitter.
ClinVar note: Notes: SCV000241429 appears to be redundant with SCV001912312.

NM_172107.4(KCNQ2):c.1302-18_1302-17insCTGTCTGA

Gene: KCNQ2 (potassium voltage-gated channel subfamily Q member 2; minus strand). Cytogenetic location: 20q13.33.
Variant type: Insertion.
Coding change: c.1302-18_1302-17insCTGTCTGA on transcript NM_172107.4 (MANE Select); 18 bases into the intron before coding-DNA position 1302 through 17 bases into the intron before coding-DNA position 1302, CTGTCTGA inserted.
Molecular consequence: intron variant.
Genome position: GRCh38 VCF-style: chr20-63415143-C-CGTCAGACA. GRCh37 (hg19) VCF-style: chr20-62046496-C-CGTCAGACA.
Other names: c.1218-18_1218-17insCTGTCTGA (NM_004518.6); c.1248-54_1248-53insCTGTCTGA (NM_172108.5); c.1248-18_1248-17insCTGTCTGA (NM_172106.3).
Identifiers: ClinVar variation 205843 (VCV000205843.3), dbSNP rs1555854852, ClinGen allele CA315305.